The following is an entry in ClinVar:

NM_004715.5(CTDP1):c.1289C>T (p.Ala430Val)

Gene: CTDP1 (CTD phosphatase subunit 1; plus strand). Cytogenetic location: 18q23.
Variant type: single nucleotide variant.
Coding change: c.1289C>T on transcript NM_004715.5 (MANE Select); coding-DNA position 1289, C replaced by T.
Protein change: p.Ala430Val; replaces alanine 430 with valine.
Molecular consequence: missense variant.
Genome position (GRCh38, 1-based): chr18:79,714,749, C>T. VCF-style: chr18-79714749-C-T. GRCh37 (hg19) VCF-style: chr18-77474749-C-T.
Other names: c.932C>T, p.Ala311Val (NM_001202504.1); c.1289C>T, p.Ala430Val (NM_001318511.2, NM_048368.4); short protein forms A311V, A430V.
Identifiers: ClinVar variation 1307565 (VCV001307565.3), dbSNP rs745911379, ClinGen allele CA9010269.

ClinVar aggregate classification (germline): Conflicting classifications of pathogenicity. Review status: criteria provided, conflicting classifications (1 of 4 stars). 2 submissions from 2 submitters: Uncertain significance (1); Likely benign (1). Last evaluated 2025-03-06.

Allele frequency attached by ClinVar (database versions not stated): gnomAD exomes 0.00001; TOPMed 0.00002; gnomAD 0.00003 and 0.00004.

Submissions (2):

Ambry Genetics
Classification: Likely benign. Last evaluated: 2025-03-06. Review status: criteria provided, single submitter. Criteria: Ambry Variant Classification Scheme 2023. Collection method: clinical testing. Allele origin: germline.

GeneDx
Classification: Uncertain significance. Last evaluated: 2019-08-09. Review status: criteria provided, single submitter. Criteria: GeneDx Variant Classification Process June 2021. Collection method: clinical testing. Allele origin: germline. Affected: yes.
Comment: Not observed at a significant frequency in large population cohorts (Lek et al., 2016); In silico analysis, which includes protein predictors and evolutionary conservation, supports a deleterious effect; Has not been previously published as pathogenic or benign to our knowledge